The following is an entry in ClinVar:

ClinVar aggregate classification (germline): Uncertain significance (1 of 4 stars; one submission).

Submission:

Labcorp Genetics (formerly Invitae), Labcorp
Classification: Uncertain significance. Last evaluated: 2023-04-09. Review status: criteria provided, single submitter. Criteria: Invitae Variant Classification Sherloc (09022015). Collection method: clinical testing. Allele origin: germline.
Comment: In summary, the available evidence is currently insufficient to determine the role of this variant in disease. Therefore, it has been classified as a Variant of Uncertain Significance. Advanced modeling of protein sequence and biophysical properties (such as structural, functional, and spatial information, amino acid conservation, physicochemical variation, residue mobility, and thermodynamic stability) performed at Invitae indicates that this missense variant is not expected to disrupt DDX58 protein function. This variant has not been reported in the literature in individuals affected with DDX58-related conditions. This variant is not present in population databases (gnomAD no frequency). This sequence change replaces isoleucine, which is neutral and non-polar, with methionine, which is neutral and non-polar, at codon 862 of the DDX58 protein (p.Ile862Met).

NM_014314.4(RIGI):c.2586A>G (p.Ile862Met)

Gene: RIGI (RNA sensor RIG-I; minus strand). Cytogenetic location: 9p21.1.
Variant type: single nucleotide variant.
Coding change: c.2586A>G on transcript NM_014314.4 (MANE Select); coding-DNA position 2586, A replaced by G.
Protein change: p.Ile862Met; replaces isoleucine 862 with methionine.
Molecular consequence: missense variant.
Genome position (GRCh38, 1-based): chr9:32,457,314, T>C on the plus strand (A>G on the coding strand, the complement: RIGI is on the minus strand). VCF-style: chr9-32457314-T-C. GRCh37 (hg19) VCF-style: chr9-32457312-T-C.
Other names: c.2580A>G, p.Ile860Met (NM_001385907.1); c.2415A>G, p.Ile805Met (NM_001385909.1); c.2145A>G, p.Ile715Met (NM_001385910.1); c.1977A>G, p.Ile659Met (NM_001385912.1); c.2571A>G, p.Ile857Met (NM_001385913.1); c.2142A>G, p.Ile714Met (NM_001385914.1); short protein forms I805M, I860M, I659M, I857M, I715M, I862M, I714M.
Identifiers: ClinVar variation 2853876 (VCV002853876.3), dbSNP rs2489277291, ClinGen allele CA373142117.
Genomic context (GRCh38, chr9:32,457,314, plus strand): 5'-AAATGTCTTGTACTTCACATGGATTCCCCAGTCATGGCTGCAGTTCTGTCGGGCACAGAA[T>C]ATCTTTGCTCTTTTTTCAAAACTTGAAAACTGCTTTGGCTTGGGATGTGGTCTACTCACA-3'
Protein context (NP_055129.2, residues 852-872): QFSSFEKRAK[Ile862Met]FCARQNCSHD